The following is an entry in ClinVar:

ClinVar aggregate classification (germline): Uncertain significance (1 of 4 stars; one submission).

Submission:

Labcorp Genetics (formerly Invitae), Labcorp
Classification: Uncertain significance. Last evaluated: 2021-09-15. Review status: criteria provided, single submitter. Criteria: Invitae Variant Classification Sherloc (09022015). Collection method: clinical testing. Allele origin: germline.
Comment: In summary, the available evidence is currently insufficient to determine the role of this variant in disease. Therefore, it has been classified as a Variant of Uncertain Significance. Algorithms developed to predict the effect of sequence changes on RNA splicing suggest that this variant may create or strengthen a splice site. This variant has not been reported in the literature in individuals affected with PCLO-related conditions. This variant is not present in population databases (ExAC no frequency). This variant, c.1579_1608dup, results in the insertion of 10 amino acid(s) to the PCLO protein (p.Thr527_Ser536dup), but otherwise preserves the integrity of the reading frame.

NM_033026.6(PCLO):c.1579_1608dup (p.Thr527_Ser536dup)

Gene: PCLO (piccolo presynaptic cytomatrix protein; minus strand). Cytogenetic location: 7q21.11.
Variant type: Duplication.
Coding change: c.1579_1608dup on transcript NM_033026.6 (MANE Select); coding-DNA positions 1579 to 1608, 30 bases duplicated (ACAAAACCCCCATCTCAACAGCCTGGCTCA).
Protein change: p.Thr527_Ser536dup.
Molecular consequence: inframe insertion.
Genome position (GRCh38, 1-based): chr7:83,155,033-83,155,062, TGAGCCAGGCTGTTGAGATGGGGGTTTTGT duplicated on the plus strand (ACAAAACCCCCATCTCAACAGCCTGGCTCA on the coding strand, the reverse complement: PCLO is on the minus strand); duplicating any 30 consecutive bases within chr7:83,155,033-83,155,079 gives the same sequence; the c. name uses the placement nearest the transcript's 3' end. VCF-style (leftmost placement, unchanged base first): chr7-83155032-C-CTGAGCCAGGCTGTTGAGATGGGGGTTTTGT. GRCh37 (hg19) VCF-style: chr7-82784348-C-CTGAGCCAGGCTGTTGAGATGGGGGTTTTGT.
Other names: c.1579_1608dup, p.Thr527_Ser536dup (NM_014510.3).
Identifiers: ClinVar variation 1504556 (VCV001504556.6), dbSNP rs2116685974, ClinGen allele CA576266878.